The following is an entry in ClinVar:

ClinVar aggregate classification (germline): Uncertain significance (1 of 4 stars; one submission).

Allele frequency attached by ClinVar (database versions not stated): TOPMed below 0.00001; gnomAD 0.00001.
gnomAD v4.1: 1 of 1,614,038 alleles (0.000062%); highest among the groups gnomAD compares: Non-Finnish European, 0.000085%; no homozygotes.

Submission:

GeneDx
Classification: Uncertain significance. Last evaluated: 2026-01-29. Review status: criteria provided, single submitter. Criteria: GeneDx Variant Classification Process June 2021. Collection method: clinical testing. Allele origin: germline. Affected: yes.
Comment: Not observed at significant frequency in large population cohorts (gnomAD); In silico analysis supports that this missense variant has a deleterious effect on protein structure/function; In silico analysis suggests this variant may impact gene splicing. In the absence of RNA/functional studies, the actual effect of this sequence change is unknown.; Has not been previously published as pathogenic or benign to our knowledge; This variant is associated with the following publications: (PMID: 25512093, 25609763, 26100331)

NM_001376.5(DYNC1H1):c.9049G>A (p.Val3017Met)

Genes: DYNC1H1 (dynein cytoplasmic 1 heavy chain 1; plus strand), LOC126862060 (BRD4-independent group 4 enhancer GRCh37_chr14:102493659-102494858; plus strand). Cytogenetic location: 14q32.31.
Variant type: single nucleotide variant.
Coding change: c.9049G>A on transcript NM_001376.5 (MANE Select); coding-DNA position 9049, G replaced by A.
Protein change: p.Val3017Met; replaces valine 3017 with methionine.
Molecular consequence: missense variant.
Genome position (GRCh38, 1-based): chr14:102,027,619, G>A. VCF-style: chr14-102027619-G-A. GRCh37 (hg19) VCF-style: chr14-102493956-G-A.
Other names: short protein forms V3017M.
Identifiers: ClinVar variation 246236 (VCV000246236.4), dbSNP rs879254170, ClinGen allele CA10584469.
Genomic context (GRCh38, chr14:102,027,619, plus strand): 5'-TGTTGCGTTGCATTACGTGTTACCGGGGGACCAGTAAGTCAGCACTGTGCTGTTTCCCAG[G>A]TGCCTGGTCTCTTTGAAGGAGACGAGTATGCCACCTTGATGACGCAGTGCAAAGAGGGGG-3'
Protein context (NP_001367.2, residues 3007-3027): RMNTLLANGE[Val3017Met]PGLFEGDEYA